The following is an entry in ClinVar:

ClinVar aggregate classification (germline): Likely pathogenic (1 of 4 stars; one submission).

Conditions:
LRBA deficiency.

Submission:

Regional Center For Medical Genetics Timis, Louis Turcanu Emergency Hospital for Children Timisoara
Classification: Likely pathogenic for LRBA deficiency. Last evaluated: 2025-01-12. Review status: criteria provided, single submitter. Criteria: ACMG Guidelines, 2015. Collection method: clinical testing. Allele origin: germline. Affected: yes. Observed: 1 variant allele.
Comment: This variant has not been previously reported in healthy population databases (gnomAD v4.1.0). This variant is associated with frameshift, protein truncation/premature transcript degradation and loss of function (LOF). LOF LRBA variants are known to be pathogenic. This variant was detected in trans, alongside another likely pathogenic variant. Therefore, this variant was classified as pathogenic, according to ACMG and ClinGen classifications. (PM2_Supporting, PVS1, PM3)

NM_001364905.1(LRBA):c.2746_2747del (p.Leu916fs)

Gene: LRBA (LPS responsive beige-like anchor protein; minus strand). Cytogenetic location: 4q31.3.
Variant type: Deletion.
Coding change: c.2746_2747del on transcript NM_001364905.1 (MANE Select); coding-DNA positions 2746 to 2747, 2 bases deleted (TT; older notation c.2746_2747delTT).
Protein change: p.Leu916fs; shifts the reading frame from leucine 916.
Molecular consequence: frameshift variant.
Genome position (GRCh38, 1-based): chr4:150,867,690-150,867,691, AA deleted on the plus strand (TT on the coding strand, the reverse complement: LRBA is on the minus strand); deleting any 2 consecutive bases within chr4:150,867,690-150,867,692 gives the same sequence; the c. name uses the placement nearest the transcript's 3' end. VCF-style (leftmost placement, unchanged base first): chr4-150867689-TAA-T. GRCh37 (hg19) VCF-style: chr4-151788841-TAA-T.
Other names: c.2745_2746delTT, p.Leu916Ilefs (NM_001199282.3, NM_006726.5); c.2746_2747del, p.Leu916fs (NM_001367550.1); short protein forms L916fs.
Identifiers: ClinVar variation 3572952 (VCV003572952.1).